The following is an entry in ClinVar:

ClinVar aggregate classification (germline): Uncertain significance (1 of 4 stars; one submission).

Conditions:
Cranium bifidum occultum. Also called: Enlarged Parietal Foramina; CATLIN MARKS; CRANIUM BIFIDUM, HEREDITARY. Identifiers: MedGen C1868598, HP:0004423.

gnomAD v4.1: 1 of 1,552,550 alleles (0.000064%); highest among the groups gnomAD compares: Admixed American, 0.002%; no homozygotes.

Submission:

Labcorp Genetics (formerly Invitae), Labcorp
Classification: Uncertain significance for Cranium bifidum occultum. Last evaluated: 2021-08-21. Review status: criteria provided, single submitter. Criteria: Invitae Variant Classification Sherloc (09022015). Collection method: clinical testing. Allele origin: germline.
Comment: This sequence change replaces serine with threonine at codon 48 of the MSX2 protein (p.Ser48Thr). The serine residue is highly conserved and there is a small physicochemical difference between serine and threonine. The frequency data for this variant in the population databases is considered unreliable, as metrics indicate insufficient coverage at this position in the ExAC database. This variant has not been reported in the literature in individuals affected with MSX2-related conditions. Algorithms developed to predict the effect of missense changes on protein structure and function are either unavailable or do not agree on the potential impact of this missense change (SIFT: "Deleterious"; PolyPhen-2: "Probably Damaging"; Align-GVGD: "Class C0"). In summary, the available evidence is currently insufficient to determine the role of this variant in disease. Therefore, it has been classified as a Variant of Uncertain Significance.

NM_002449.5(MSX2):c.143G>C (p.Ser48Thr)

Gene: MSX2 (msh homeobox 2; plus strand). Cytogenetic location: 5q35.2.
Variant type: single nucleotide variant.
Coding change: c.143G>C on transcript NM_002449.5 (MANE Select); coding-DNA position 143, G replaced by C.
Protein change: p.Ser48Thr; replaces serine 48 with threonine.
Molecular consequence: missense variant.
Genome position (GRCh38, 1-based): chr5:174,724,802, G>C. VCF-style: chr5-174724802-G-C. GRCh37 (hg19) VCF-style: chr5-174151805-G-C.
Other names: c.143G>C, p.Ser48Thr (NM_001363626.2); short protein forms S48T.
Identifiers: ClinVar variation 1376736 (VCV001376736.6), dbSNP rs1760741097, ClinGen allele CA362229206.